The following is an entry in ClinVar:

ClinVar aggregate classification (germline): Uncertain significance. Review status: criteria provided, multiple submitters, no conflicts (2 of 4 stars). 2 submissions from 2 submitters: Uncertain significance (2). Last evaluated 2024-10-20.

Conditions:
Inborn genetic diseases. Identifiers: MedGen C0950123, MeSH D030342.

Submissions (2):

GeneDx
Classification: Uncertain significance. Last evaluated: 2024-10-20. Review status: criteria provided, single submitter. Criteria: GeneDx Variant Classification Process June 2021. Collection method: clinical testing. Allele origin: germline. Affected: yes.
Comment: Not observed at significant frequency in large population cohorts (gnomAD); In silico analysis indicates that this missense variant does not alter protein structure/function; Has not been previously published as pathogenic or benign to our knowledge

Ambry Genetics
Classification: Uncertain significance for Inborn genetic diseases. Last evaluated: 2017-01-05. Review status: criteria provided, single submitter. Criteria: Ambry Variant Classification Scheme 2023. Collection method: clinical testing. Allele origin: germline.
Comment: The p.G67R variant (also known as c.199G>C), located in coding exon 1 of the HCN1 gene, results from a G to C substitution at nucleotide position 199. The glycine at codon 67 is replaced by arginine, an amino acid with dissimilar properties. This amino acid position is well conserved in available vertebrate species. In addition, the in silico prediction for this alteration is inconclusive. Since supporting evidence is limited at this time, the clinical significance of this alteration remains unclear.

NM_021072.4(HCN1):c.199G>C (p.Gly67Arg)

Gene: HCN1 (hyperpolarization activated cyclic nucleotide gated potassium channel 1; minus strand). Cytogenetic location: 5p12.
Variant type: single nucleotide variant.
Coding change: c.199G>C on transcript NM_021072.4 (MANE Select); coding-DNA position 199, G replaced by C.
Protein change: p.Gly67Arg; replaces glycine 67 with arginine.
Molecular consequence: missense variant.
Genome position (GRCh38, 1-based): chr5:45,695,895, C>G on the plus strand (G>C on the coding strand, the complement: HCN1 is on the minus strand). VCF-style: chr5-45695895-C-G. GRCh37 (hg19) VCF-style: chr5-45695997-C-G.
Other names: short protein forms G67R.
Identifiers: ClinVar variation 588630 (VCV000588630.6), dbSNP rs1427664939, ClinGen allele CA359706538.
Genomic context (GRCh38, chr5:45,695,895, plus strand): 5'-GCCCCTCGGCGTCTTCGAAGCCCCCCGCCGGCTCCTCGCCGCCGCCGCCGCCGCCGCCAC[C>G]GCCGCCACCGCCGTCCACCTTGAAGCACACGGAGTTGCCGTGCTCCTTCGCGCCGGCCCC-3'
Protein context (NP_066550.2, residues 57-77): VCFKVDGGGG[Gly67Arg]GGGGGGGEEP